The following is an entry in ClinVar:

NM_198880.3(QRICH1):c.630del (p.Ile211fs)

Gene: QRICH1 (glutamine rich 1; minus strand). Cytogenetic location: 3p21.31.
Variant type: Deletion.
Coding change: c.630del on transcript NM_198880.3 (MANE Select); coding-DNA position 630, one base deleted (G; older notation c.630delG).
Protein change: p.Ile211fs; shifts the reading frame from isoleucine 211.
Molecular consequence: frameshift variant.
Genome position (GRCh38, 1-based): chr3:49,057,570, C deleted on the plus strand (G on the coding strand, the reverse complement: QRICH1 is on the minus strand). VCF-style (leftmost placement, unchanged base first): chr3-49057569-TC-T. GRCh37 (hg19) VCF-style: chr3-49095002-TC-T.
Other names: c.630del, p.Ile211fs (NM_001320580.2, NM_001320581.2, NM_001320582.2 and 4 more transcripts); short protein forms I211fs.
Identifiers: ClinVar variation 3766301 (VCV003766301.1).

ClinVar aggregate classification (germline): Pathogenic (1 of 4 stars; one submission).

Submission:

GeneDx
Classification: Pathogenic. Last evaluated: 2024-08-29. Review status: criteria provided, single submitter. Criteria: GeneDx Variant Classification Process June 2021. Collection method: clinical testing. Allele origin: germline. Affected: yes.
Comment: Frameshift variant predicted to result in protein truncation or nonsense mediated decay in a gene for which loss of function is a known mechanism of disease; Not observed at significant frequency in large population cohorts (gnomAD); Has not been previously published as pathogenic or benign to our knowledge